The following is an entry in ClinVar:

ClinVar aggregate classification (germline): Uncertain significance. Review status: criteria provided, multiple submitters, no conflicts (2 of 4 stars). 2 submissions from 2 submitters: Uncertain significance (2). Last evaluated 2022-08-18.

Conditions:
Hereditary cancer-predisposing syndrome. Also called: Neoplastic Syndromes, Hereditary; Hereditary Cancer Syndrome; Hereditary neoplastic syndrome; Tumor predisposition. Identifiers: Orphanet 140162, MedGen C0027672, MeSH D009386, MONDO:0015356.
Ataxia-telangiectasia syndrome (AT). Also called: Ataxia-telangiectasia, complementation group E; Cerebello-oculocutaneous telangiectasia; Immunodeficiency with ataxia telangiectasia; Ataxia-telangiectasia, complementation group D; AT, COMPLEMENTATION GROUP C; Ataxia-telangiectasia. Identifiers: Orphanet 100, MedGen C0004135, MONDO:0008840, OMIM 208900.

Submissions (2):

Ambry Genetics
Classification: Uncertain significance for Hereditary cancer-predisposing syndrome. Last evaluated: 2022-08-18. Review status: criteria provided, single submitter. Criteria: Ambry Variant Classification Scheme 2023. Collection method: clinical testing. Allele origin: germline.
Comment: The p.A538P variant (also known as c.1612G>C), located in coding exon 10 of the ATM gene, results from a G to C substitution at nucleotide position 1612. The alanine at codon 538 is replaced by proline, an amino acid with highly similar properties. This amino acid position is conserved. In addition, the in silico prediction for this alteration is inconclusive. Since supporting evidence is limited at this time, the clinical significance of this alteration remains unclear.

Labcorp Genetics (formerly Invitae), Labcorp
Classification: Uncertain significance for Ataxia-telangiectasia syndrome. Last evaluated: 2019-04-19. Review status: criteria provided, single submitter. Criteria: Invitae Variant Classification Sherloc (09022015). Collection method: clinical testing. Allele origin: germline.
Comment: This sequence change replaces alanine with proline at codon 538 of the ATM protein (p.Ala538Pro). The alanine residue is weakly conserved and there is a small physicochemical difference between alanine and proline. This variant is not present in population databases (ExAC no frequency). This variant has not been reported in the literature in individuals with ATM-related conditions. Algorithms developed to predict the effect of missense changes on protein structure and function are either unavailable or do not agree on the potential impact of this missense change (SIFT: "Tolerated"; PolyPhen-2: "Possibly Damaging"; Align-GVGD: "Class C0"). In summary, the available evidence is currently insufficient to determine the role of this variant in disease. Therefore, it has been classified as a Variant of Uncertain Significance.

NM_000051.4(ATM):c.1612G>C (p.Ala538Pro)

Gene: ATM (ATM serine/threonine kinase; plus strand). Cytogenetic location: 11q22.3.
Variant type: single nucleotide variant.
Coding change: c.1612G>C on transcript NM_000051.4 (MANE Select); coding-DNA position 1612, G replaced by C.
Protein change: p.Ala538Pro; replaces alanine 538 with proline.
Molecular consequence: missense variant.
Genome position (GRCh38, 1-based): chr11:108,251,841, G>C. VCF-style: chr11-108251841-G-C. GRCh37 (hg19) VCF-style: chr11-108122568-G-C.
Other names: c.1612G>C, p.Ala538Pro (NM_001351834.2); short protein forms A538P.
Identifiers: ClinVar variation 853372 (VCV000853372.12), dbSNP rs2080163261, ClinGen allele CA382534476.